The following is an entry in ClinVar:

NM_001903.5(CTNNA1):c.621G>C (p.Met207Ile)

Gene: CTNNA1 (catenin alpha 1; plus strand). Cytogenetic location: 5q31.2.
Variant type: single nucleotide variant.
Coding change: c.621G>C on transcript NM_001903.5 (MANE Select); coding-DNA position 621, G replaced by C.
Protein change: p.Met207Ile; replaces methionine 207 with isoleucine.
Molecular consequence: missense variant.
Genome position (GRCh38, 1-based): chr5:138,824,562, G>C. VCF-style: chr5-138824562-G-C. GRCh37 (hg19) VCF-style: chr5-138160251-G-C.
Other names: c.621G>C, p.Met207Ile (NM_001290307.3, NM_001323982.2, NM_001323983.1 and 3 more transcripts); c.312G>C, p.Met104Ile (NM_001290309.3); c.252G>C, p.Met84Ile (NM_001290310.3); short protein forms M207I, M84I, M104I.
Identifiers: ClinVar variation 1439485 (VCV001439485.8), dbSNP rs1005792890, ClinGen allele CA128228940.

ClinVar aggregate classification (germline): Uncertain significance. Review status: criteria provided, multiple submitters, no conflicts (2 of 4 stars). 2 submissions from 2 submitters: Uncertain significance (2). Last evaluated 2023-03-01.

Conditions:
Hereditary cancer-predisposing syndrome. Also called: Neoplastic Syndromes, Hereditary; Hereditary Cancer Syndrome; Hereditary neoplastic syndrome; Tumor predisposition. Identifiers: Orphanet 140162, MedGen C0027672, MeSH D009386, MONDO:0015356.

Submissions (2):

Labcorp Genetics (formerly Invitae), Labcorp
Classification: Uncertain significance. Last evaluated: 2023-03-01. Review status: criteria provided, single submitter. Criteria: Invitae Variant Classification Sherloc (09022015). Collection method: clinical testing. Allele origin: germline.
Comment: This sequence change replaces methionine, which is neutral and non-polar, with isoleucine, which is neutral and non-polar, at codon 207 of the CTNNA1 protein (p.Met207Ile). In summary, the available evidence is currently insufficient to determine the role of this variant in disease. Therefore, it has been classified as a Variant of Uncertain Significance. An algorithm developed to predict the effect of missense changes on protein structure and function (PolyPhen-2) suggests that this variant is likely to be tolerated. ClinVar contains an entry for this variant (Variation ID: 1439485). This variant has not been reported in the literature in individuals affected with CTNNA1-related conditions. This variant is not present in population databases (gnomAD no frequency).

Ambry Genetics
Classification: Uncertain significance for Hereditary cancer-predisposing syndrome. Last evaluated: 2022-04-30. Review status: criteria provided, single submitter. Criteria: Ambry Variant Classification Scheme 2023. Collection method: clinical testing. Allele origin: germline.
Comment: The p.M207I variant (also known as c.621G>C), located in coding exon 5 of the CTNNA1 gene, results from a G to C substitution at nucleotide position 621. The methionine at codon 207 is replaced by isoleucine, an amino acid with highly similar properties. This amino acid position is conserved. In addition, the in silico prediction for this alteration is inconclusive. Since supporting evidence is limited at this time, the clinical significance of this alteration remains unclear.